The following is an entry in ClinVar:

ClinVar aggregate classification (germline): Benign (3 of 4 stars; one submission).

Conditions:
Breast-ovarian cancer, familial, susceptibility to, 2 (BROVCA2). Also called: BRCA2 Hereditary Breast and Ovarian Cancer. Identifiers: Orphanet 145, MedGen C2675520, MONDO:0012933, OMIM 612555. Disease mechanism: loss of function.

Allele frequency attached by ClinVar (database versions not stated): gnomAD 0.00002 and 0.00032; TOPMed 0.00005; gnomAD exomes 0.00098; 1000 Genomes Project 30x 0.00265; 1000 Genomes Project 0.00280.
gnomAD v4.1: 111 of 217,044 alleles (0.051%); highest among the groups gnomAD compares: South Asian, 0.9%; no homozygotes.

Submission:

Evidence-based Network for the Interpretation of Germline Mutant Alleles (ENIGMA)
Classification: Benign for Breast-ovarian cancer, familial, susceptibility to, 2. Last evaluated: 2016-09-28. Review status: reviewed by expert panel. Criteria: ENIGMA BRCA1/2 Classification Criteria (2015). Collection method: curation. Allele origin: germline.
Comment: Class 1 not pathogenic based on frequency >1% in an outbred sampleset. Frequency 0.0143 (South Asian), derived from 1000 genomes (2013-05-02).

NM_000059.4(BRCA2):c.9256+5182C>T

Gene: BRCA2 (BRCA2 DNA repair associated; plus strand). Cytogenetic location: 13q13.1.
Variant type: single nucleotide variant.
Coding change: c.9256+5182C>T on transcript NM_000059.4 (MANE Select); 5182 bases into the intron after coding-DNA position 9256, C replaced by T.
Molecular consequence: intron variant.
Genome position (GRCh38, 1-based): chr13:32,385,327, C>T. VCF-style: chr13-32385327-C-T. GRCh37 (hg19) VCF-style: chr13-32959464-C-T.
Identifiers: ClinVar variation 264930 (VCV000264930.1), dbSNP rs547552048, ClinGen allele CA10588160.
Genomic context (GRCh38, chr13:32,385,327, plus strand): 5'-TTGCCTACCCTAAGGCAGGCTGTCAGGCTAAATGTAGATGATAGATATAGTAAGGTTCTT[C>T]TTGCCCTGAAGCTTTGGGATGAAGGACAGGAAGCTGAAGGAGAAAAGTACTTTGAAGGAG-3'